The following is an entry in ClinVar:

NM_139027.6(ADAMTS13):c.1363G>T (p.Gly455Cys)

Gene: ADAMTS13 (ADAM metallopeptidase with thrombospondin type 1 motif 13; plus strand). Cytogenetic location: 9q34.2.
Variant type: single nucleotide variant.
Coding change: c.1363G>T on transcript NM_139027.6 (MANE Select); coding-DNA position 1363, G replaced by T.
Protein change: p.Gly455Cys; replaces glycine 455 with cysteine.
Molecular consequence: missense variant.
Genome position (GRCh38, 1-based): chr9:133,436,883, G>T. VCF-style: chr9-133436883-G-T. GRCh37 (hg19) VCF-style: chr9-136302003-G-T.
Other names: c.1363G>T, p.Gly455Cys (NM_139025.5); c.1270G>T, p.Gly424Cys (NM_139026.6); short protein forms G455C, G424C.
Identifiers: ClinVar variation 3596655 (VCV003596655.2).
Genomic context (GRCh38, chr9:133,436,883, plus strand): 5'-GGCCAGGCCTGCGAGAAGACCCAGCTGGAGTTCATGTCGCAACAGTGCGCCAGGACCGAC[G>T]GCCAGCCGCTGCGCTCCTCCCCTGGCGGCGCCTCCTTCTACCACTGGGGTGCTGCTGTAC-3'
Protein context (NP_620596.2, residues 445-465): FMSQQCARTD[Gly455Cys]QPLRSSPGGA

ClinVar aggregate classification (germline): Uncertain significance. Review status: criteria provided, multiple submitters, no conflicts (2 of 4 stars). 2 submissions from 2 submitters: Uncertain significance (2). Last evaluated 2025-03-01.

Conditions:
Upshaw-Schulman syndrome (TTP). Also called: THROMBOTIC THROMBOCYTOPENIC PURPURA, HEREDITARY; Congenital thrombotic thrombocytopenic purpura. Identifiers: Orphanet 93583, MedGen C1268935, MONDO:0010122, OMIM 274150.

gnomAD v4.1: 2 of 1,586,976 alleles (0.00013%); highest among the groups gnomAD compares: Non-Finnish European, 0.00017%; no homozygotes.

Submissions (2):

Labcorp Genetics (formerly Invitae), Labcorp
Classification: Uncertain significance. Last evaluated: 2025-03-01. Review status: criteria provided, single submitter. Criteria: Invitae Variant Classification Sherloc (09022015). Collection method: clinical testing. Allele origin: germline.
Comment: This sequence change replaces glycine, which is neutral and non-polar, with cysteine, which is neutral and slightly polar, at codon 455 of the ADAMTS13 protein (p.Gly455Cys). This variant is not present in population databases (gnomAD no frequency). This variant has not been reported in the literature in individuals affected with ADAMTS13-related conditions. ClinVar contains an entry for this variant (Variation ID: 3596655). Invitae Evidence Modeling of protein sequence and biophysical properties (such as structural, functional, and spatial information, amino acid conservation, physicochemical variation, residue mobility, and thermodynamic stability) indicates that this missense variant is expected to disrupt ADAMTS13 protein function with a positive predictive value of 80%. In summary, the available evidence is currently insufficient to determine the role of this variant in disease. Therefore, it has been classified as a Variant of Uncertain Significance.

Fulgent Genetics
Classification: Uncertain significance for Upshaw-Schulman syndrome. Last evaluated: 2024-02-29. Review status: criteria provided, single submitter. Criteria: ACMG Guidelines, 2015. Collection method: clinical testing. Allele origin: germline.